The following is an entry in ClinVar:

NM_002972.4(SBF1):c.5427C>T (p.Phe1809=)

Gene: SBF1 (SET binding factor 1; minus strand). Cytogenetic location: 22q13.33.
Variant type: single nucleotide variant.
Coding change: c.5427C>T on transcript NM_002972.4 (MANE Select); coding-DNA position 5427, C replaced by T.
Protein change: p.Phe1809=; no amino-acid change (phenylalanine 1809 retained).
Molecular consequence: synonymous variant.
Genome position (GRCh38, 1-based): chr22:50,447,546, G>A on the plus strand (C>T on the coding strand, the complement: SBF1 is on the minus strand). VCF-style: chr22-50447546-G-A. GRCh37 (hg19) VCF-style: chr22-50885975-G-A.
Other names: p.Phe1809=; c.5352C>T, p.Phe1784= (NM_001365819.1).
Identifiers: ClinVar variation 730106 (VCV000730106.37), dbSNP rs368282563, ClinGen allele CA10315868.

ClinVar aggregate classification (germline): Likely benign. Review status: criteria provided, multiple submitters, no conflicts (2 of 4 stars). 5 submissions from 5 submitters: Likely benign (5). Last evaluated 2025-12-16.

Allele frequency attached by ClinVar (database versions not stated): ESP Exome Variant Server 0.00024; 1000 Genomes Project 30x 0.00031; 1000 Genomes Project 0.00040; ExAC 0.00058; gnomAD 0.00065; gnomAD exomes 0.00065; TOPMed 0.00074.
gnomAD v4.1: 801 of 1,612,002 alleles (0.05%); highest among the groups gnomAD compares: East Asian, 0.16%; no homozygotes.

Submissions (5):

Labcorp Genetics (formerly Invitae), Labcorp
Classification: Likely benign. Last evaluated: 2025-12-16. Review status: criteria provided, single submitter. Criteria: Invitae Variant Classification Sherloc (09022015). Collection method: clinical testing. Allele origin: germline.

Mayo Clinic Laboratories, Mayo Clinic
Classification: Likely benign. Last evaluated: 2025-05-20. Review status: criteria provided, single submitter. Criteria: ACMG Guidelines, 2015. Collection method: clinical testing. Allele origin: germline. Observed: 1 variant allele.
Comment: BP4, BP7

Blueprint Genetics
Classification: Likely benign. Last evaluated: 2024-11-26. Review status: criteria provided, single submitter. Criteria: ACMG Guidelines, 2015. Collection method: clinical testing. Allele origin: germline.

CeGaT Center for Human Genetics Tuebingen
Classification: Likely benign. Last evaluated: 2023-01-01. Review status: criteria provided, single submitter. Criteria: CeGaT Center For Human Genetics Tuebingen Variant Classification Criteria Version 2. Collection method: clinical testing. Allele origin: germline. Affected: yes. Observed: 2 variant alleles.
Comment: SBF1: BP4, BP7

GeneDx
Classification: Likely benign. Last evaluated: 2021-05-27. Review status: criteria provided, single submitter. Criteria: GeneDx Variant Classification Process June 2021. Collection method: clinical testing. Allele origin: germline. Affected: yes.